The following is an entry in ClinVar:

ClinVar aggregate classification (germline): Pathogenic/Likely pathogenic. Review status: criteria provided, multiple submitters, no conflicts (2 of 4 stars). 2 submissions from 2 submitters: Pathogenic (1); Likely pathogenic (1). Last evaluated 2023-11-24.

Conditions:
Peroxisome biogenesis disorder. Identifiers: Orphanet 79189, MedGen C1832200, MONDO:0019234. Disease mechanism: loss of function.
Heimler syndrome 2 (HMLR2). Also called: PEROXISOME BIOGENESIS DISORDER 4C. Identifiers: Orphanet 3220, MedGen C4225267, OMIM 616617, MONDO:0014709.

Submissions (2):

Labcorp Genetics (formerly Invitae), Labcorp
Classification: Pathogenic for Peroxisome biogenesis disorder. Last evaluated: 2023-11-24. Review status: criteria provided, single submitter. Criteria: Invitae Variant Classification Sherloc (09022015). Collection method: clinical testing. Allele origin: germline.
Comment: This sequence change creates a premature translational stop signal (p.Lys306Glufs*44) in the PEX6 gene. It is expected to result in an absent or disrupted protein product. Loss-of-function variants in PEX6 are known to be pathogenic (PMID: 10408779, 21031596, 31831025). This variant is not present in population databases (gnomAD no frequency). This variant has not been reported in the literature in individuals affected with PEX6-related conditions. ClinVar contains an entry for this variant (Variation ID: 1429796). For these reasons, this variant has been classified as Pathogenic.

Baylor Genetics
Classification: Likely pathogenic for Heimler syndrome 2. Last evaluated: 2023-05-13. Review status: criteria provided, single submitter. Criteria: ACMG Guidelines, 2015. Collection method: clinical testing. Allele origin: unknown.

Literature cited by the submitters: PubMed 10408779 (cited by Labcorp Genetics (formerly Invitae), Labcorp); PubMed 21031596 (cited by Labcorp Genetics (formerly Invitae), Labcorp); PubMed 31831025 (cited by Labcorp Genetics (formerly Invitae), Labcorp).

NM_000287.4(PEX6):c.916_919del (p.Lys306fs)

Gene: PEX6 (peroxisomal biogenesis factor 6; minus strand). Cytogenetic location: 6p21.1.
Variant type: Deletion.
Coding change: c.916_919del on transcript NM_000287.4 (MANE Select); coding-DNA positions 916 to 919, 4 bases deleted (AAAG; older notation c.916_919delAAAG).
Protein change: p.Lys306fs; shifts the reading frame from lysine 306.
Molecular consequence: frameshift variant. On other transcripts: non-coding transcript variant (1).
Genome position (GRCh38, 1-based): chr6:42,975,002-42,975,005, CTTT deleted on the plus strand (AAAG on the coding strand, the reverse complement: PEX6 is on the minus strand). VCF-style (leftmost placement, unchanged base first): chr6-42975001-CCTTT-C. GRCh37 (hg19) VCF-style: chr6-42942739-CCTTT-C.
Other names: c.652_655del, p.Lys218fs (NM_001316313.2); short protein forms K218fs, K306fs.
Identifiers: ClinVar variation 1429796 (VCV001429796.7), dbSNP rs2150236148, ClinGen allele CA2573140779.